The following is an entry in ClinVar:

ClinVar aggregate classification (germline): Uncertain significance. Review status: criteria provided, multiple submitters, no conflicts (2 of 4 stars). 3 submissions from 3 submitters: Uncertain significance (3). Last evaluated 2024-01-09.

Conditions:
Van Maldergem syndrome 2 (VMLDS2). Identifiers: Orphanet 314679, MedGen C3809875, MONDO:0014242, OMIM 615546.
Hennekam lymphangiectasia-lymphedema syndrome 2 (HKLLS2). Identifiers: Orphanet 2136, MedGen C4014939, MONDO:0014454, OMIM 616006.
Inborn genetic diseases. Identifiers: MedGen C0950123, MeSH D030342.

Allele frequency attached by ClinVar (database versions not stated): gnomAD 0.00001 and 0.00002; ExAC 0.00002; gnomAD exomes 0.00002 and 0.00006; TOPMed 0.00003.
gnomAD v4.1: 91 of 1,613,676 alleles (0.0056%); highest among the groups gnomAD compares: Non-Finnish European, 0.0073%; no homozygotes.

Submissions (3):

Fulgent Genetics
Classification: Uncertain significance for Van Maldergem syndrome 2; Hennekam lymphangiectasia-lymphedema syndrome 2. Last evaluated: 2024-01-09. Review status: criteria provided, single submitter. Criteria: ACMG Guidelines, 2015. Collection method: clinical testing. Allele origin: germline.

Ambry Genetics
Classification: Uncertain significance for Inborn genetic diseases. Last evaluated: 2023-04-10. Review status: criteria provided, single submitter. Criteria: Ambry Variant Classification Scheme 2023. Collection method: clinical testing. Allele origin: germline.

Labcorp Genetics (formerly Invitae), Labcorp
Classification: Uncertain significance. Last evaluated: 2022-08-20. Review status: criteria provided, single submitter. Criteria: Invitae Variant Classification Sherloc (09022015). Collection method: clinical testing. Allele origin: germline.
Comment: This sequence change replaces valine, which is neutral and non-polar, with glycine, which is neutral and non-polar, at codon 1834 of the FAT4 protein (p.Val1834Gly). This variant is present in population databases (rs748063320, gnomAD 0.005%). This variant has not been reported in the literature in individuals affected with FAT4-related conditions. ClinVar contains an entry for this variant (Variation ID: 1379804). Advanced modeling of protein sequence and biophysical properties (such as structural, functional, and spatial information, amino acid conservation, physicochemical variation, residue mobility, and thermodynamic stability) performed at Invitae indicates that this missense variant is not expected to disrupt FAT4 protein function. In summary, the available evidence is currently insufficient to determine the role of this variant in disease. Therefore, it has been classified as a Variant of Uncertain Significance.

NM_001291303.3(FAT4):c.5501T>G (p.Val1834Gly)

Gene: FAT4 (FAT atypical cadherin 4; plus strand). Cytogenetic location: 4q28.1.
Variant type: single nucleotide variant.
Coding change: c.5501T>G on transcript NM_001291303.3 (MANE Select); coding-DNA position 5501, T replaced by G.
Protein change: p.Val1834Gly; replaces valine 1834 with glycine.
Molecular consequence: missense variant.
Genome position (GRCh38, 1-based): chr4:125,407,073, T>G. VCF-style: chr4-125407073-T-G. GRCh37 (hg19) VCF-style: chr4-126328228-T-G.
Other names: c.5501T>G, p.Val1834Gly (NM_001291285.3, NM_024582.6); c.5501T>G (NM_024582.4, NM_024582.5); short protein forms V1834G.
Identifiers: ClinVar variation 1379804 (VCV001379804.7), dbSNP rs748063320, ClinGen allele CA3072733.